The following is an entry in ClinVar:

NM_000255.4(MMUT):c.1679del (p.Cys560fs)

Gene: MMUT (methylmalonyl-CoA mutase; minus strand). Cytogenetic location: 6p12.3.
Variant type: Deletion.
Coding change: c.1679del on transcript NM_000255.4 (MANE Select); coding-DNA position 1679, one base deleted (G; older notation c.1679delG).
Protein change: p.Cys560fs; shifts the reading frame from cysteine 560.
Molecular consequence: frameshift variant.
Genome position (GRCh38, 1-based): chr6:49,441,969, C deleted on the plus strand (G on the coding strand, the reverse complement: MMUT is on the minus strand). VCF-style (leftmost placement, unchanged base first): chr6-49441968-AC-A. GRCh37 (hg19) VCF-style: chr6-49409681-AC-A.
Other names: short protein forms C560fs.
Identifiers: ClinVar variation 1435188 (VCV001435188.6), dbSNP rs766219320, ClinGen allele CA3846766.

ClinVar aggregate classification (germline): Pathogenic (1 of 4 stars; one submission).

Allele frequency attached by ClinVar (database versions not stated): gnomAD exomes below 0.00001; ExAC 0.00001.

Submission:

Labcorp Genetics (formerly Invitae), Labcorp
Classification: Pathogenic. Last evaluated: 2020-12-18. Review status: criteria provided, single submitter. Criteria: Invitae Variant Classification Sherloc (09022015). Collection method: clinical testing. Allele origin: germline.
Comment: This sequence change creates a premature translational stop signal (p.Cys560Leufs*10) in the MUT gene. It is expected to result in an absent or disrupted protein product. Loss-of-function variants in MUT are known to be pathogenic (PMID: 15781192). The frequency data for this variant in the population databases is considered unreliable, as metrics indicate poor data quality at this position in the ExAC database. This variant has not been reported in the literature in individuals with MUT-related conditions. For these reasons, this variant has been classified as Pathogenic.

Literature cited by the submitters: PubMed 15781192.